The following is an entry in ClinVar:

ClinVar aggregate classification (germline): Likely benign (0 of 4 stars; one submission).

Conditions:
GALNT10-related disorder. Also called: GALNT10-related condition.

Allele frequency attached by ClinVar (database versions not stated): ESP Exome Variant Server 0.00123; TOPMed 0.00125; gnomAD 0.00129; ExAC 0.00131; 1000 Genomes Project 0.00140; 1000 Genomes Project 30x 0.00141; gnomAD exomes 0.00172.
gnomAD v4.1: 2,691 of 1,613,926 alleles (0.17%); highest among the groups gnomAD compares: Admixed American, 0.21%; 6 homozygotes.

Submission:

PreventionGenetics, part of Exact Sciences
Classification: Likely benign for GALNT10-related condition. Last evaluated: 2022-10-03. Review status: no assertion criteria provided. Collection method: clinical testing. Allele origin: germline.
Comment: This variant is classified as likely benign based on ACMG/AMP sequence variant interpretation guidelines (Richards et al. 2015 PMID: 25741868, with internal and published modifications).

NM_198321.4(GALNT10):c.1356C>T (p.Pro452=)

Genes: GALNT10 (polypeptide N-acetylgalactosaminyltransferase 10; plus strand), SAP30L-AS1 (SAP30L antisense RNA 1 (head to head); minus strand). Cytogenetic location: 5q33.2.
Variant type: single nucleotide variant.
Coding change: c.1356C>T on transcript NM_198321.4 (MANE Select); coding-DNA position 1356, C replaced by T.
Protein change: p.Pro452=; no amino-acid change (proline 452 retained).
Molecular consequence: synonymous variant.
Genome position (GRCh38, 1-based): chr5:154,409,732, C>T. VCF-style: chr5-154409732-C-T. GRCh37 (hg19) VCF-style: chr5-153789292-C-T.
Identifiers: ClinVar variation 3044264 (VCV003044264.2), dbSNP rs142666444, ClinGen allele CA3526165.